The following is an entry in ClinVar:

ClinVar aggregate classification (germline): Uncertain significance. Review status: criteria provided, multiple submitters, no conflicts (2 of 4 stars). 3 submissions from 3 submitters: Uncertain significance (3). Last evaluated 2024-12-05.

Conditions:
Polymerase proofreading-related adenomatous polyposis. Also called: Polymerase proofreading associated polyposis; Polymerase proofreading–associated polyposis (PPAP). Identifiers: Orphanet 447877, MedGen C5202613, MONDO:0018653.
Hereditary cancer-predisposing syndrome. Also called: Tumor predisposition; Hereditary neoplastic syndrome; Neoplastic Syndromes, Hereditary; Hereditary Cancer Syndrome. Identifiers: Orphanet 140162, MedGen C0027672, MeSH D009386, MONDO:0015356.

Allele frequency attached by ClinVar (database versions not stated): gnomAD exomes below 0.00001 and 0.00002; TOPMed below 0.00001; ExAC 0.00001; gnomAD 0.00001.
gnomAD v4.1: 30 of 1,614,118 alleles (0.0019%); highest among the groups gnomAD compares: Non-Finnish European, 0.0025%; no homozygotes.

Submissions (3):

Ambry Genetics
Classification: Uncertain significance for Hereditary cancer-predisposing syndrome. Last evaluated: 2024-12-05. Review status: criteria provided, single submitter. Criteria: Ambry Variant Classification Scheme 2023. Collection method: clinical testing. Allele origin: germline.
Comment: The p.S1472P variant (also known as c.4414T>C), located in coding exon 34 of the POLE gene, results from a T to C substitution at nucleotide position 4414. The serine at codon 1472 is replaced by proline, an amino acid with similar properties. This amino acid position is highly conserved in available vertebrate species. In addition, the in silico prediction for this alteration is inconclusive. Based on the available evidence, the clinical significance of this variant remains unclear.

Labcorp Genetics (formerly Invitae), Labcorp
Classification: Uncertain significance. Last evaluated: 2024-10-23. Review status: criteria provided, single submitter. Criteria: Invitae Variant Classification Sherloc (09022015). Collection method: clinical testing. Allele origin: germline.
Comment: This sequence change replaces serine, which is neutral and polar, with proline, which is neutral and non-polar, at codon 1472 of the POLE protein (p.Ser1472Pro). This variant is present in population databases (rs767361716, gnomAD 0.0009%). This variant has not been reported in the literature in individuals affected with POLE-related conditions. ClinVar contains an entry for this variant (Variation ID: 861975). Invitae Evidence Modeling of protein sequence and biophysical properties (such as structural, functional, and spatial information, amino acid conservation, physicochemical variation, residue mobility, and thermodynamic stability) indicates that this missense variant is not expected to disrupt POLE protein function with a negative predictive value of 80%. In summary, the available evidence is currently insufficient to determine the role of this variant in disease. Therefore, it has been classified as a Variant of Uncertain Significance.

Department of Pathology and Laboratory Medicine, Sinai Health System
Classification: Uncertain significance for Polymerase proofreading-related adenomatous polyposis. Last evaluated: 2024-06-26. Review status: criteria provided, single submitter. Criteria: ACMG Guidelines, 2015. Collection method: clinical testing. Allele origin: germline.

NM_006231.4(POLE):c.4414T>C (p.Ser1472Pro)

Gene: POLE (DNA polymerase epsilon, catalytic subunit; minus strand). Cytogenetic location: 12q24.33.
Variant type: single nucleotide variant.
Coding change: c.4414T>C on transcript NM_006231.4 (MANE Select); coding-DNA position 4414, T replaced by C.
Protein change: p.Ser1472Pro; replaces serine 1472 with proline.
Molecular consequence: missense variant.
Genome position (GRCh38, 1-based): chr12:132,643,437, A>G on the plus strand (T>C on the coding strand, the complement: POLE is on the minus strand). VCF-style: chr12-132643437-A-G. GRCh37 (hg19) VCF-style: chr12-133220023-A-G.
Other names: short protein forms S1472P.
Identifiers: ClinVar variation 861975 (VCV000861975.12), dbSNP rs767361716, ClinGen allele CA6892861.